The following is an entry in ClinVar:

NM_173551.5(ANKS6):c.1099G>T (p.Ala367Ser)

Gene: ANKS6 (ankyrin repeat and sterile alpha motif domain containing 6; minus strand). Cytogenetic location: 9q22.33.
Variant type: single nucleotide variant.
Coding change: c.1099G>T on transcript NM_173551.5 (MANE Select); coding-DNA position 1099, G replaced by T.
Protein change: p.Ala367Ser; replaces alanine 367 with serine.
Molecular consequence: missense variant.
Genome position (GRCh38, 1-based): chr9:98,783,966, C>A on the plus strand (G>T on the coding strand, the complement: ANKS6 is on the minus strand). VCF-style: chr9-98783966-C-A. GRCh37 (hg19) VCF-style: chr9-101546248-C-A.
Other names: c.1099G>T (NM_173551.3); short protein forms A367S.
Identifiers: ClinVar variation 968826 (VCV000968826.7), dbSNP rs201416355, ClinGen allele CA5153635.

ClinVar aggregate classification (germline): Uncertain significance. Review status: criteria provided, multiple submitters, no conflicts (2 of 4 stars). 3 submissions from 3 submitters: Uncertain significance (3). Last evaluated 2023-01-10.

Conditions:
Nephronophthisis 16 (NPHP16). Identifiers: Orphanet 655, MedGen C3809320, MONDO:0014158, OMIM 615382.

Allele frequency attached by ClinVar (database versions not stated): gnomAD exomes 0.00007 and 0.00009; TOPMed 0.00009; ExAC 0.00010; gnomAD 0.00011; 1000 Genomes Project 0.00020; 1000 Genomes Project 30x 0.00031.
gnomAD v4.1: 125 of 1,594,636 alleles (0.0078%); highest among the groups gnomAD compares: Non-Finnish European, 0.0053%; no homozygotes.

Submissions (3):

GeneDx
Classification: Uncertain significance. Last evaluated: 2023-01-10. Review status: criteria provided, single submitter. Criteria: GeneDx Variant Classification Process June 2021. Collection method: clinical testing. Allele origin: germline. Affected: yes.
Comment: In silico analysis supports that this missense variant has a deleterious effect on protein structure/function; Has not been previously published as pathogenic or benign to our knowledge

Labcorp Genetics (formerly Invitae), Labcorp
Classification: Uncertain significance for Nephronophthisis 16. Last evaluated: 2022-07-05. Review status: criteria provided, single submitter. Criteria: Invitae Variant Classification Sherloc (09022015). Collection method: clinical testing. Allele origin: germline.
Comment: This sequence change replaces alanine, which is neutral and non-polar, with serine, which is neutral and polar, at codon 367 of the ANKS6 protein (p.Ala367Ser). This variant is present in population databases (rs201416355, gnomAD 0.1%). This variant has not been reported in the literature in individuals affected with ANKS6-related conditions. ClinVar contains an entry for this variant (Variation ID: 968826). Algorithms developed to predict the effect of missense changes on protein structure and function (SIFT, PolyPhen-2, Align-GVGD) all suggest that this variant is likely to be disruptive. In summary, the available evidence is currently insufficient to determine the role of this variant in disease. Therefore, it has been classified as a Variant of Uncertain Significance.

Fulgent Genetics
Classification: Uncertain significance for Nephronophthisis 16. Last evaluated: 2021-12-08. Review status: criteria provided, single submitter. Criteria: ACMG Guidelines, 2015. Collection method: clinical testing. Allele origin: unknown.